The following is an entry in ClinVar:

ClinVar aggregate classification (germline): Likely benign. Review status: criteria provided, multiple submitters, no conflicts (2 of 4 stars). 2 submissions from 2 submitters: Likely benign (2). Last evaluated 2026-04-01.

Allele frequency attached by ClinVar (database versions not stated): TOPMed 0.00021; gnomAD 0.00022 and 0.00024; ESP Exome Variant Server 0.00023; gnomAD exomes 0.00036; ExAC 0.00041.
gnomAD v4.1: 569 of 1,605,310 alleles (0.035%); highest among the groups gnomAD compares: South Asian, 0.16%; no homozygotes.

Submissions (2):

CeGaT Center for Human Genetics Tuebingen
Classification: Likely benign. Last evaluated: 2026-04-01. Review status: criteria provided, single submitter. Criteria: CeGaT Center For Human Genetics Tuebingen Variant Classification Criteria Version 2. Collection method: clinical testing. Allele origin: germline. Affected: yes. Observed: 5 variant alleles.
Comment: HERC2: BP4, BP7

Breakthrough Genomics
Classification: Likely benign. Review status: criteria provided, single submitter. Criteria: ACMG Guidelines, 2015. Collection method: not provided. Allele origin: germline. Inheritance: Autosomal recessive inheritance. Affected: yes.

NM_004667.6(HERC2):c.12282C>T (p.Val4094=)

Gene: HERC2 (HECT and RLD domain containing E3 ubiquitin protein ligase 2; minus strand). Cytogenetic location: 15q13.1.
Variant type: single nucleotide variant.
Coding change: c.12282C>T on transcript NM_004667.6 (MANE Select); coding-DNA position 12282, C replaced by T.
Protein change: p.Val4094=; no amino-acid change (valine 4094 retained).
Molecular consequence: synonymous variant.
Genome position (GRCh38, 1-based): chr15:28,132,779, G>A on the plus strand (C>T on the coding strand, the complement: HERC2 is on the minus strand). VCF-style: chr15-28132779-G-A. GRCh37 (hg19) VCF-style: chr15-28377925-G-A.
Identifiers: ClinVar variation 1335169 (VCV001335169.36), dbSNP rs140970725, ClinGen allele CA7440350.
Genomic context (GRCh38, chr15:28,132,779, plus strand): 5'-TGTGTAGAGGTCCCCGGCTGCTGTGACACAGGCGCTGTGGGCTCCGCCAGCAGCAACATC[G>A]ACCACTTCAATTCCTCTCAGAGACTCGATGACACGAGGGCGGTCACACGGACTGCAAAAA-3'
Protein context (NP_004658.3, residues 4084-4104): VIESLRGIEV[Val4094=]DVAAGGAHSA